The following is an entry in ClinVar:

ClinVar aggregate classification (germline): Uncertain significance. Review status: criteria provided, multiple submitters, no conflicts (2 of 4 stars). 2 submissions from 2 submitters: Uncertain significance (2). Last evaluated 2023-10-28.

Conditions:
Dyskeratosis congenita, autosomal recessive 6 (DKCB6). Identifiers: MedGen C4225356, MONDO:0014600, OMIM 616353.
Pulmonary fibrosis and/or bone marrow failure, Telomere-related, 4. Also called: PULMONARY FIBROSIS AND/OR BONE MARROW FAILURE SYNDROME, TELOMERE-RELATED, 4. Identifiers: Orphanet 2032, MedGen C4225347, MONDO:0014612, OMIM 616371.

Allele frequency attached by ClinVar (database versions not stated): gnomAD 0.00001; ExAC 0.00002.
gnomAD v4.1: 17 of 1,606,148 alleles (0.0011%); highest among the groups gnomAD compares: South Asian, 0.0066%; no homozygotes.

Submissions (2):

Labcorp Genetics (formerly Invitae), Labcorp
Classification: Uncertain significance for Dyskeratosis congenita, autosomal recessive 6; Pulmonary fibrosis and/or bone marrow failure, Telomere-related, 4. Last evaluated: 2023-10-28. Review status: criteria provided, single submitter. Criteria: Invitae Variant Classification Sherloc (09022015). Collection method: clinical testing. Allele origin: germline.
Comment: This sequence change replaces glutamine, which is neutral and polar, with histidine, which is basic and polar, at codon 472 of the PARN protein (p.Gln472His). This variant is present in population databases (rs766730789, gnomAD 0.02%). This variant has not been reported in the literature in individuals affected with PARN-related conditions. Advanced modeling of protein sequence and biophysical properties (such as structural, functional, and spatial information, amino acid conservation, physicochemical variation, residue mobility, and thermodynamic stability) performed at Invitae indicates that this missense variant is not expected to disrupt PARN protein function with a negative predictive value of 80%. In summary, the available evidence is currently insufficient to determine the role of this variant in disease. Therefore, it has been classified as a Variant of Uncertain Significance.

Blueprint Genetics
Classification: Uncertain significance. Last evaluated: 2020-05-08. Review status: criteria provided, single submitter. Criteria: ACMG Guidelines, 2015. Collection method: clinical testing. Allele origin: germline.

NM_002582.4(PARN):c.1416G>C (p.Gln472His)

Gene: PARN (poly(A)-specific ribonuclease; minus strand). Cytogenetic location: 16p13.12.
Variant type: single nucleotide variant.
Coding change: c.1416G>C on transcript NM_002582.4 (MANE Select); coding-DNA position 1416, G replaced by C.
Protein change: p.Gln472His; replaces glutamine 472 with histidine.
Molecular consequence: missense variant.
Genome position (GRCh38, 1-based): chr16:14,552,085, C>G on the plus strand (G>C on the coding strand, the complement: PARN is on the minus strand). VCF-style: chr16-14552085-C-G. GRCh37 (hg19) VCF-style: chr16-14645942-C-G.
Other names: c.1233G>C, p.Gln411His (NM_001134477.3); c.1278G>C, p.Gln426His (NM_001242992.2); short protein forms Q426H, Q411H, Q472H.
Identifiers: ClinVar variation 2926948 (VCV002926948.4), dbSNP rs766730789, ClinGen allele CA7912021.